The following is an entry in ClinVar:

NM_032806.6(POMGNT2):c.424T>A (p.Phe142Ile)

Gene: POMGNT2 (protein O-linked mannose N-acetylglucosaminyltransferase 2 (beta 1,4-); minus strand). Cytogenetic location: 3p22.1.
Variant type: single nucleotide variant.
Coding change: c.424T>A on transcript NM_032806.6 (MANE Select); coding-DNA position 424, T replaced by A.
Protein change: p.Phe142Ile; replaces phenylalanine 142 with isoleucine.
Molecular consequence: missense variant.
Genome position (GRCh38, 1-based): chr3:43,081,008, A>T on the plus strand (T>A on the coding strand, the complement: POMGNT2 is on the minus strand). VCF-style: chr3-43081008-A-T. GRCh37 (hg19) VCF-style: chr3-43122500-A-T.
Other names: short protein forms F142I.
Identifiers: ClinVar variation 1350230 (VCV001350230.4), dbSNP rs2125700782, ClinGen allele CA352303265.

ClinVar aggregate classification (germline): Uncertain significance (1 of 4 stars; one submission).

Conditions:
Muscular dystrophy-dystroglycanopathy (congenital with brain and eye anomalies), type a, 8 (MDDGA8). Also called: WALKER-WARBURG SYNDROME OR MUSCLE-EYE-BRAIN DISEASE, GTDC2-RELATED. Identifiers: Orphanet 899, MedGen C3553813, MONDO:0013904, OMIM 614830.

Submission:

Labcorp Genetics (formerly Invitae), Labcorp
Classification: Uncertain significance for Muscular dystrophy-dystroglycanopathy (congenital with brain and eye anomalies), type a, 8. Last evaluated: 2022-06-08. Review status: criteria provided, single submitter. Criteria: Invitae Variant Classification Sherloc (09022015). Collection method: clinical testing. Allele origin: germline.
Comment: This variant is not present in population databases (gnomAD no frequency). This sequence change replaces phenylalanine, which is neutral and non-polar, with isoleucine, which is neutral and non-polar, at codon 142 of the POMGNT2 protein (p.Phe142Ile). This variant has not been reported in the literature in individuals affected with POMGNT2-related conditions. In summary, the available evidence is currently insufficient to determine the role of this variant in disease. Therefore, it has been classified as a Variant of Uncertain Significance. Algorithms developed to predict the effect of missense changes on protein structure and function are either unavailable or do not agree on the potential impact of this missense change (SIFT: "Deleterious"; PolyPhen-2: "Benign"; Align-GVGD: "Class C15").